The following is an entry in ClinVar:

ClinVar aggregate classification (germline): Uncertain significance (1 of 4 stars; one submission).

Conditions:
Muscular dystrophy-dystroglycanopathy (congenital with brain and eye anomalies), type A, 7. Also called: WALKER-WARBURG SYNDROME OR MUSCLE-EYE-BRAIN DISEASE, ISPD-RELATED; Congenital muscular dystrophy-dystroglycanopathy with brain and eye anomalies, type A7. Identifiers: Orphanet 899, MedGen C3553330, MONDO:0013835, OMIM 614643.
Autosomal recessive limb-girdle muscular dystrophy type 2U. Also called: Muscular dystrophy-dystroglycanopathy (limb-girdle), type c, 7; MUSCULAR DYSTROPHY, LIMB-GIRDLE, TYPE 2U. Identifiers: Orphanet 352479, MedGen C5190987, MONDO:0014474, OMIM 616052.

gnomAD v4.1: 1 of 1,578,578 alleles (0.000063%); highest among the groups gnomAD compares: Non-Finnish European, 0.000087%; no homozygotes.

Submission:

Labcorp Genetics (formerly Invitae), Labcorp
Classification: Uncertain significance for Muscular dystrophy-dystroglycanopathy (congenital with brain and eye anomalies), type A, 7; Autosomal recessive limb-girdle muscular dystrophy type 2U. Last evaluated: 2022-07-06. Review status: criteria provided, single submitter. Criteria: Invitae Variant Classification Sherloc (09022015). Collection method: clinical testing. Allele origin: germline.
Comment: In summary, the available evidence is currently insufficient to determine the role of this variant in disease. Therefore, it has been classified as a Variant of Uncertain Significance. Algorithms developed to predict the effect of missense changes on protein structure and function (SIFT, PolyPhen-2, Align-GVGD) all suggest that this variant is likely to be disruptive. This variant has not been reported in the literature in individuals affected with ISPD-related conditions. This variant is not present in population databases (gnomAD no frequency). This sequence change replaces tryptophan, which is neutral and slightly polar, with arginine, which is basic and polar, at codon 262 of the ISPD protein (p.Trp262Arg).

NM_001101426.4(CRPPA):c.784T>A (p.Trp262Arg)

Gene: CRPPA (CDP-L-ribitol pyrophosphorylase A; minus strand). Cytogenetic location: 7p21.2.
Variant type: single nucleotide variant.
Coding change: c.784T>A on transcript NM_001101426.4 (MANE Select); coding-DNA position 784, T replaced by A.
Protein change: p.Trp262Arg; replaces tryptophan 262 with arginine.
Molecular consequence: missense variant. On other transcripts: intron variant (1).
Genome position (GRCh38, 1-based): chr7:16,308,528, A>T on the plus strand (T>A on the coding strand, the complement: CRPPA is on the minus strand). VCF-style: chr7-16308528-A-T. GRCh37 (hg19) VCF-style: chr7-16348153-A-T.
Other names: c.634T>A, p.Trp212Arg (NM_001101417.4); c.685-7062T>A (NM_001368197.1); short protein forms W212R, W262R.
Identifiers: ClinVar variation 2112326 (VCV002112326.4), dbSNP rs2546675159, ClinGen allele CA367001568.